The following is an entry in ClinVar:

ClinVar aggregate classification (germline): Uncertain significance. Review status: criteria provided, multiple submitters, no conflicts (2 of 4 stars). 4 submissions from 4 submitters: Uncertain significance (2). 2 of the submissions do not count toward it. Last evaluated 2022-06-16.

Conditions:
Temtamy syndrome (TEMTYS). Also called: MENTAL RETARDATION WITH OR WITHOUT CRANIOFACIAL DYSMORPHISM, OCULAR COLOBOMA, OR ABNORMAL CORPUS CALLOSUM. Identifiers: Orphanet 1777, MedGen C1857512, MONDO:0009033, OMIM 218340.

gnomAD v4.1: 39 of 1,614,240 alleles (0.0024%); highest among the groups gnomAD compares: Middle Eastern, 0.31%; no homozygotes.

Submissions (4):

Labcorp Genetics (formerly Invitae), Labcorp
Classification: Uncertain significance for Temtamy syndrome. Last evaluated: 2022-06-16. Review status: criteria provided, single submitter. Criteria: Invitae Variant Classification Sherloc (09022015). Collection method: clinical testing. Allele origin: germline.
Comment: This sequence change replaces leucine, which is neutral and non-polar, with phenylalanine, which is neutral and non-polar, at codon 11 of the C12orf57 protein (p.Leu11Phe). This variant is present in population databases (rs782168213, gnomAD 0.008%). This missense change has been observed in individual(s) with clinical features of Temtamy syndrome (PMID: 29269699). ClinVar contains an entry for this variant (Variation ID: 1017217). Algorithms developed to predict the effect of missense changes on protein structure and function are either unavailable or do not agree on the potential impact of this missense change (SIFT: "Deleterious"; PolyPhen-2: "Possibly Damaging"; Align-GVGD: "Class C0"). In summary, the available evidence is currently insufficient to determine the role of this variant in disease. Therefore, it has been classified as a Variant of Uncertain Significance.

Breakthrough Genomics
Classification: Uncertain significance. Review status: criteria provided, single submitter. Criteria: ACMG Guidelines, 2015. Collection method: not provided. Allele origin: germline. Inheritance: Autosomal recessive inheritance. Affected: yes.

Diagnostic Laboratory, Department of Genetics, University Medical Center Groningen
Classification: Uncertain significance. Review status: no assertion criteria provided. Collection method: clinical testing. Allele origin: germline. Affected: yes. Study: VKGL Data-share Consensus. Not counted in ClinVar's aggregate classification.

Laboratory of Diagnostic Genome Analysis, Leiden University Medical Center (LUMC)
Classification: Uncertain significance. Review status: no assertion criteria provided. Collection method: clinical testing. Allele origin: germline. Affected: yes. Study: VKGL Data-share Consensus. Not counted in ClinVar's aggregate classification.

Literature cited by the submitters: PubMed 29269699 (cited by Labcorp Genetics (formerly Invitae), Labcorp).

NM_138425.4(C12orf57):c.33G>C (p.Leu11Phe)

Gene: C12orf57 (chromosome 12 open reading frame 57; plus strand). Cytogenetic location: 12p13.31.
Variant type: single nucleotide variant.
Coding change: c.33G>C on transcript NM_138425.4 (MANE Select); coding-DNA position 33, G replaced by C.
Protein change: p.Leu11Phe; replaces leucine 11 with phenylalanine.
Molecular consequence: missense variant. On other transcripts: 5 prime UTR variant (1), non-coding transcript variant (1), intron variant (1).
Genome position (GRCh38, 1-based): chr12:6,944,154, G>C. VCF-style: chr12-6944154-G-C. GRCh37 (hg19) VCF-style: chr12-7053317-G-C.
Other names: c.33G>C, p.Leu11Phe (NM_001301834.1, NM_001301837.2); c.-169G>C (NM_001301838.2); c.14-322G>C (NM_001301836.2); short protein forms L11F.
Identifiers: ClinVar variation 1017217 (VCV001017217.10), dbSNP rs782168213, ClinGen allele CA6421185.